The following is an entry in ClinVar:

NM_020949.3(SLC7A14):c.1691C>T (p.Thr564Met)

Genes: SLC7A14 (solute carrier family 7 member 14; minus strand), SLC7A14-AS1 (SLC7A14 antisense RNA 1; plus strand). Cytogenetic location: 3q26.2.
Variant type: single nucleotide variant.
Coding change: c.1691C>T on transcript NM_020949.3 (MANE Select); coding-DNA position 1691, C replaced by T.
Protein change: p.Thr564Met; replaces threonine 564 with methionine.
Molecular consequence: missense variant.
Genome position (GRCh38, 1-based): chr3:170,480,591, G>A on the plus strand (C>T on the coding strand, the complement: SLC7A14 is on the minus strand). VCF-style: chr3-170480591-G-A. GRCh37 (hg19) VCF-style: chr3-170198380-G-A.
Other names: short protein forms T564M.
Identifiers: ClinVar variation 1955505 (VCV001955505.8), dbSNP rs753511398, ClinGen allele CA2701583.

ClinVar aggregate classification (germline): Uncertain significance. Review status: criteria provided, multiple submitters, no conflicts (2 of 4 stars). 3 submissions from 3 submitters: Uncertain significance (3). Last evaluated 2025-08-07.

Allele frequency attached by ClinVar (database versions not stated): TOPMed below 0.00001; ExAC 0.00001; gnomAD 0.00001; gnomAD exomes 0.00001.
gnomAD v4.1: 14 of 1,614,090 alleles (0.00087%); highest among the groups gnomAD compares: Non-Finnish European, 0.0012%; no homozygotes.

Submissions (3):

Ambry Genetics
Classification: Uncertain significance. Last evaluated: 2025-08-07. Review status: criteria provided, single submitter. Criteria: Ambry Variant Classification Scheme 2023. Collection method: clinical testing. Allele origin: germline.

Blueprint Genetics
Classification: Uncertain significance. Last evaluated: 2023-11-24. Review status: criteria provided, single submitter. Criteria: ACMG Guidelines, 2015. Collection method: clinical testing. Allele origin: germline.

Labcorp Genetics (formerly Invitae), Labcorp
Classification: Uncertain significance. Last evaluated: 2022-11-15. Review status: criteria provided, single submitter. Criteria: Invitae Variant Classification Sherloc (09022015). Collection method: clinical testing. Allele origin: germline.
Comment: Algorithms developed to predict the effect of missense changes on protein structure and function (SIFT, PolyPhen-2, Align-GVGD) all suggest that this variant is likely to be tolerated. This sequence change replaces threonine, which is neutral and polar, with methionine, which is neutral and non-polar, at codon 564 of the SLC7A14 protein (p.Thr564Met). This variant is present in population databases (rs753511398, gnomAD 0.0009%). This variant has not been reported in the literature in individuals affected with SLC7A14-related conditions. In summary, the available evidence is currently insufficient to determine the role of this variant in disease. Therefore, it has been classified as a Variant of Uncertain Significance.